The following is an entry in ClinVar:

ClinVar aggregate classification (germline): Likely pathogenic (1 of 4 stars; one submission).

Conditions:
Glycogen storage disease type III (GSD3). Also called: Cori disease; FORBES DISEASE. Identifiers: Orphanet 366, MedGen C0017922, MONDO:0009291, OMIM 232400.

Submission:

Myriad Genetics, Inc.
Classification: Likely pathogenic for Glycogen storage disease type III. Last evaluated: 2019-12-28. Review status: criteria provided, single submitter. Criteria: Myriad Women's Health Autosomal Recessive and X-Linked Classification Criteria (2019). Collection method: clinical testing. Allele origin: unknown.
Comment: NM_000642.2(AGL):c.1417G>T(E473*) is expected to be pathogenic in the context of glycogen storage disease type III. This variant is predicted to lead to an abnormal or absent protein product due to the creation of a premature termination codon in AGL, a gene where loss-of-function variants are known to be pathogenic. Please note: this variant was assessed in the context of healthy population screening.

NM_000642.3(AGL):c.1417G>T (p.Glu473Ter)

Gene: AGL (amylo-alpha-1,6-glucosidase and 4-alpha-glucanotransferase; plus strand). Cytogenetic location: 1p21.2.
Variant type: single nucleotide variant.
Coding change: c.1417G>T on transcript NM_000642.3 (MANE Select); coding-DNA position 1417, G replaced by T.
Protein change: p.Glu473Ter; replaces glutamic acid 473 with a stop codon.
Molecular consequence: nonsense.
Genome position (GRCh38, 1-based): chr1:99,876,591, G>T. VCF-style: chr1-99876591-G-T. GRCh37 (hg19) VCF-style: chr1-100342147-G-T.
Other names: c.1369G>T, p.Glu457Ter (NM_000646.3); c.1417G>T, p.Glu473Ter (NM_001425325.1, NM_001425326.1, NM_000028.3 and 2 more transcripts); c.1216G>T, p.Glu406Ter (NM_001425327.1); c.1213G>T, p.Glu405Ter (NM_001425328.1, NM_001425329.1); c.1039G>T, p.Glu347Ter (NM_001425332.1); short protein forms E457*, E473*, E347*, E405*, E406*.
Identifiers: ClinVar variation 984156 (VCV000984156.3), dbSNP rs1651556356, ClinGen allele CA341346780.